The following is an entry in ClinVar:

NM_001123385.2(BCOR):c.2373G>A (p.Trp791Ter)

Gene: BCOR (BCL6 corepressor; minus strand). Cytogenetic location: Xp11.4.
Variant type: single nucleotide variant.
Coding change: c.2373G>A on transcript NM_001123385.2 (MANE Select); coding-DNA position 2373, G replaced by A.
Protein change: p.Trp791Ter; replaces tryptophan 791 with a stop codon.
Molecular consequence: nonsense.
Genome position (GRCh38, 1-based): chrX:40,072,973, C>T on the plus strand (G>A on the coding strand, the complement: BCOR is on the minus strand). VCF-style: chrX-40072973-C-T. GRCh37 (hg19) VCF-style: chrX-39932226-C-T.
Other names: c.2373G>A, p.Trp791Ter (NM_001123383.2, NM_001123384.2, NM_001437510.1 and 4 more transcripts); short protein forms W791*.
Identifiers: ClinVar variation 4713288 (VCV004713288.1).

ClinVar aggregate classification (germline): Pathogenic (1 of 4 stars; one submission).

Conditions:
Oculofaciocardiodental syndrome (MCOPS2). Identifiers: Orphanet 2712, MedGen C1846265, MONDO:0010261, OMIM 300166.

Submission:

Labcorp Genetics (formerly Invitae), Labcorp
Classification: Pathogenic for Oculofaciocardiodental syndrome. Last evaluated: 2025-02-17. Review status: criteria provided, single submitter. Criteria: Invitae Variant Classification Sherloc (09022015). Collection method: clinical testing. Allele origin: germline.
Comment: This sequence change creates a premature translational stop signal (p.Trp791*) in the BCOR gene. It is expected to result in an absent or disrupted protein product. Loss-of-function variants in BCOR are known to be pathogenic (PMID: 15004558, 19367324). This variant is not present in population databases (gnomAD no frequency). This variant has not been reported in the literature in individuals affected with BCOR-related conditions. For these reasons, this variant has been classified as Pathogenic.

Literature cited by the submitters: PubMed 15004558; PubMed 19367324.